The following is an entry in ClinVar:

NM_001044.5(SLC6A3):c.1792G>A (p.Glu598Lys)

Gene: SLC6A3 (solute carrier family 6 member 3). Cytogenetic location: 5p15.33.
Variant type: single nucleotide variant.
Coding change: c.1792G>A on transcript NM_001044.5 (MANE Select); coding-DNA position 1792, G replaced by A.
Protein change: p.Glu598Lys; replaces glutamic acid 598 with lysine.
Molecular consequence: missense variant.
Genome position (GRCh38, 1-based): chr5:1,400,962, C>T on the plus strand (G>A on the coding strand, the complement: SLC6A3 is on the minus strand). VCF-style: chr5-1400962-C-T. GRCh37 (hg19) VCF-style: chr5-1401077-C-T.
Other names: short protein forms E598K.
Identifiers: ClinVar variation 2174541 (VCV002174541.4), dbSNP rs745426965, ClinGen allele CA3185888.

ClinVar aggregate classification (germline): Uncertain significance (1 of 4 stars; one submission).

Conditions:
Parkinsonism-dystonia, infantile. Identifiers: Orphanet 238455, MedGen C2751067, MONDO:0013150.

Allele frequency attached by ClinVar (database versions not stated): TOPMed below 0.00001; gnomAD 0.00002; ExAC 0.00012.
gnomAD v4.1: 28 of 1,597,254 alleles (0.0018%); highest among the groups gnomAD compares: Admixed American, 0.0068%; 1 homozygote.

Submission:

Labcorp Genetics (formerly Invitae), Labcorp
Classification: Uncertain significance for Parkinsonism-dystonia, infantile. Last evaluated: 2022-05-12. Review status: criteria provided, single submitter. Criteria: Invitae Variant Classification Sherloc (09022015). Collection method: clinical testing. Allele origin: germline.
Comment: In summary, the available evidence is currently insufficient to determine the role of this variant in disease. Therefore, it has been classified as a Variant of Uncertain Significance. Algorithms developed to predict the effect of missense changes on protein structure and function (SIFT, PolyPhen-2, Align-GVGD) all suggest that this variant is likely to be tolerated. This variant has not been reported in the literature in individuals affected with SLC6A3-related conditions. This variant is present in population databases (rs745426965, gnomAD 0.02%), including at least one homozygous and/or hemizygous individual. This sequence change replaces glutamic acid, which is acidic and polar, with lysine, which is basic and polar, at codon 598 of the SLC6A3 protein (p.Glu598Lys).